The following is an entry in ClinVar:

ClinVar aggregate classification (germline): Uncertain significance (1 of 4 stars; one submission).

Conditions:
Epilepsy, childhood absence, susceptibility to, 5. Identifiers: Orphanet 64280, MedGen C2677087, MONDO:0012843, OMIM 612269.
Epilepsy, childhood absence, susceptibility to, 1. Also called: Epilepsy, childhood absence 1. Identifiers: Orphanet 64280, MedGen C1838604, MONDO:0020759, OMIM 600131.

gnomAD v4.1: 2 of 1,613,984 alleles (0.00012%); highest among the groups gnomAD compares: Non-Finnish European, 0.00017%; no homozygotes.

Submission:

Labcorp Genetics (formerly Invitae), Labcorp
Classification: Uncertain significance for Epilepsy, childhood absence, susceptibility to, 5; Epilepsy, childhood absence, susceptibility to, 1. Last evaluated: 2024-01-19. Review status: criteria provided, single submitter. Criteria: Invitae Variant Classification Sherloc (09022015). Collection method: clinical testing. Allele origin: germline.
Comment: This sequence change replaces glutamic acid, which is acidic and polar, with glutamine, which is neutral and polar, at codon 172 of the GABRB3 protein (p.Glu172Gln). This variant is not present in population databases (gnomAD no frequency). This variant has not been reported in the literature in individuals affected with GABRB3-related conditions. Advanced modeling of protein sequence and biophysical properties (such as structural, functional, and spatial information, amino acid conservation, physicochemical variation, residue mobility, and thermodynamic stability) has been performed at Invitae for this missense variant, however the output from this modeling did not meet the statistical confidence thresholds required to predict the impact of this variant on GABRB3 protein function. In summary, the available evidence is currently insufficient to determine the role of this variant in disease. Therefore, it has been classified as a Variant of Uncertain Significance.

NM_000814.6(GABRB3):c.514G>C (p.Glu172Gln)

Gene: GABRB3 (gamma-aminobutyric acid type A receptor subunit beta3; minus strand). Cytogenetic location: 15q12.
Variant type: single nucleotide variant.
Coding change: c.514G>C on transcript NM_000814.6 (MANE Select); coding-DNA position 514, G replaced by C.
Protein change: p.Glu172Gln; replaces glutamic acid 172 with glutamine.
Molecular consequence: missense variant.
Genome position (GRCh38, 1-based): chr15:26,583,362, C>G on the plus strand (G>C on the coding strand, the complement: GABRB3 is on the minus strand). VCF-style: chr15-26583362-C-G. GRCh37 (hg19) VCF-style: chr15-26828509-C-G.
Other names: c.514G>C, p.Glu172Gln (NM_021912.5); c.259G>C, p.Glu87Gln (NM_001191320.2, NM_001278631.2); c.301G>C, p.Glu101Gln (NM_001191321.3); short protein forms E87Q, E101Q, E172Q.
Identifiers: ClinVar variation 2932041 (VCV002932041.3), dbSNP rs2504213319, ClinGen allele CA391458034.